The following is an entry in ClinVar:

ClinVar aggregate classification (germline): Uncertain significance (1 of 4 stars; one submission).

Submission:

Labcorp Genetics (formerly Invitae), Labcorp
Classification: Uncertain significance. Last evaluated: 2024-06-25. Review status: criteria provided, single submitter. Criteria: Invitae Variant Classification Sherloc (09022015). Collection method: clinical testing. Allele origin: germline.
Comment: This sequence change replaces arginine, which is basic and polar, with leucine, which is neutral and non-polar, at codon 833 of the DHX37 protein (p.Arg833Leu). Information on the frequency of this variant in the gnomAD database is not available, as this variant may be reported differently in the database. This variant has not been reported in the literature in individuals affected with DHX37-related conditions. An algorithm developed to predict the effect of missense changes on protein structure and function (PolyPhen-2) suggests that this variant is likely to be disruptive. In summary, the available evidence is currently insufficient to determine the role of this variant in disease. Therefore, it has been classified as a Variant of Uncertain Significance.

NM_032656.4(DHX37):c.2498_2499delinsTC (p.Arg833Leu)

Gene: DHX37 (DEAH-box helicase 37; minus strand). Cytogenetic location: 12q24.31.
Variant type: Indel.
Coding change: c.2498_2499delinsTC on transcript NM_032656.4 (MANE Select); coding-DNA positions 2498 to 2499, GG replaced by TC.
Protein change: p.Arg833Leu; replaces arginine 833 with leucine.
Molecular consequence: missense variant.
Genome position (GRCh38, 1-based): chr12:124,954,166-124,954,167, CC replaced by GA on the plus strand (GG replaced by TC on the coding strand, the reverse complement: DHX37 is on the minus strand). VCF-style: chr12-124954166-CC-GA. GRCh37 (hg19) VCF-style: chr12-125438712-CC-GA.
Other names: short protein forms R833L.
Identifiers: ClinVar variation 2831965 (VCV002831965.3), dbSNP rs2547111116, ClinGen allele CA2739277343.